The following is an entry in ClinVar:

NM_005343.4(HRAS):c.215T>C (p.Met72Thr)

Genes: HRAS (HRas proto-oncogene, GTPase; minus strand), LRRC56 (leucine rich repeat containing 56; plus strand). Cytogenetic location: 11p15.5.
Variant type: single nucleotide variant.
Coding change: c.215T>C on transcript NM_005343.4 (MANE Select); coding-DNA position 215, T replaced by C.
Protein change: p.Met72Thr; replaces methionine 72 with threonine.
Molecular consequence: missense variant. On other transcripts: 5 prime UTR variant (1).
Genome position (GRCh38, 1-based): chr11:533,841, A>G on the plus strand (T>C on the coding strand, the complement: HRAS is on the minus strand). VCF-style: chr11-533841-A-G. GRCh37 (hg19) VCF-style: chr11-533841-A-G.
Other names: c.215T>C, p.Met72Thr (NM_001130442.3, NM_176795.5); c.-105T>C (NM_001318054.2); short protein forms M72T.
Identifiers: ClinVar variation 2061405 (VCV002061405.4), dbSNP rs755488418, ClinGen allele CA378924599.

ClinVar aggregate classification (germline): Uncertain significance (1 of 4 stars; one submission).

Conditions:
Costello syndrome (CSTLO). Also called: HRAS-Related Costello Syndrome; FACIOCUTANEOSKELETAL SYNDROME; FCS SYNDROME. Identifiers: Orphanet 3071, MedGen C0587248, MONDO:0009026, OMIM 218040.

Submission:

Labcorp Genetics (formerly Invitae), Labcorp
Classification: Uncertain significance for Costello syndrome. Last evaluated: 2024-06-03. Review status: criteria provided, single submitter. Criteria: Invitae Variant Classification Sherloc (09022015). Collection method: clinical testing. Allele origin: germline.
Comment: This sequence change replaces methionine, which is neutral and non-polar, with threonine, which is neutral and polar, at codon 72 of the HRAS protein (p.Met72Thr). This variant is not present in population databases (gnomAD no frequency). This variant has not been reported in the literature in individuals affected with HRAS-related conditions. ClinVar contains an entry for this variant (Variation ID: 2061405). Advanced modeling of protein sequence and biophysical properties (such as structural, functional, and spatial information, amino acid conservation, physicochemical variation, residue mobility, and thermodynamic stability) performed at Invitae indicates that this missense variant is expected to disrupt HRAS protein function with a positive predictive value of 95%. In summary, the available evidence is currently insufficient to determine the role of this variant in disease. Therefore, it has been classified as a Variant of Uncertain Significance.